The following is an entry in ClinVar:

NM_001355276.2(CENPVL3):c.177G>A (p.Arg59=)

Gene: CENPVL3 (centromere protein V like 3; minus strand). Cytogenetic location: Xp11.22.
Variant type: single nucleotide variant.
Coding change: c.177G>A on transcript NM_001355276.2 (MANE Select); coding-DNA position 177, G replaced by A.
Protein change: p.Arg59=; no amino-acid change (arginine 59 retained).
Molecular consequence: synonymous variant.
Genome position (GRCh38, 1-based): chrX:51,618,697, C>T on the plus strand (G>A on the coding strand, the complement: CENPVL3 is on the minus strand). VCF-style: chrX-51618697-C-T. GRCh37 (hg19) VCF-style: chrX-51361549-C-T.
Identifiers: ClinVar variation 3905626 (VCV003905626.10).

ClinVar aggregate classification (germline): Likely benign (1 of 4 stars; one submission).

Submission:

CeGaT Center for Human Genetics Tuebingen
Classification: Likely benign. Last evaluated: 2025-06-01. Review status: criteria provided, single submitter. Criteria: CeGaT Center For Human Genetics Tuebingen Variant Classification Criteria Version 2. Collection method: clinical testing. Allele origin: germline. Affected: yes. Observed: 1 variant allele.
Comment: CENPVL3: BP4, BP7